The following is an entry in ClinVar:

NM_014339.7(IL17RA):c.233del (p.Ile78fs)

Gene: IL17RA (interleukin 17 receptor A; plus strand). Cytogenetic location: 22q11.1.
Variant type: Deletion.
Coding change: c.233del on transcript NM_014339.7 (MANE Select); coding-DNA position 233, one base deleted (T; older notation c.233delT).
Protein change: p.Ile78fs; shifts the reading frame from isoleucine 78.
Molecular consequence: frameshift variant.
Genome position (GRCh38, 1-based): chr22:17,097,866, T deleted. VCF-style (leftmost placement, unchanged base first): chr22-17097865-AT-A. GRCh37 (hg19) VCF-style: chr22-17578755-AT-A.
Other names: c.233del, p.Ile78fs (NM_001289905.2); short protein forms I78fs.
Identifiers: ClinVar variation 857687 (VCV000857687.7), dbSNP rs1321690789, ClinGen allele CA512869983.
Genomic context (GRCh38, chr22:17,097,865, plus strand): 5'-CTGGATGACAGCTGGATTCACCCTCGAAACCTGACCCCCTCCTCCCCAAAGGACCTGCAG[AT>A]CCAGCTGCACTTTGCCCACACCCAACAAGGAGACCTGTTCCCCGTGGCTCACATCGAATG-3'

ClinVar aggregate classification (germline): Pathogenic (1 of 4 stars; one submission).

Conditions:
Immunodeficiency 51 (IMD51). Also called: CANDIDIASIS, FAMILIAL, 5. Identifiers: Orphanet 1334, MedGen C4310803, MONDO:0013500, OMIM 613953.

Allele frequency attached by ClinVar (database versions not stated): gnomAD exomes below 0.00001 and 0.00001.

Submission:

Labcorp Genetics (formerly Invitae), Labcorp
Classification: Pathogenic for Immunodeficiency 51. Last evaluated: 2025-12-19. Review status: criteria provided, single submitter. Criteria: Invitae Variant Classification Sherloc (09022015). Collection method: clinical testing. Allele origin: germline.
Comment: This sequence change creates a premature translational stop signal (p.Ile78Thrfs*42) in the IL17RA gene. It is expected to result in an absent or disrupted protein product. Loss-of-function variants in IL17RA are known to be pathogenic (PMID: 27930337). This variant is present in population databases (no rsID available, gnomAD 0.0009%). This variant has not been reported in the literature in individuals affected with IL17RA-related conditions. ClinVar contains an entry for this variant (Variation ID: 857687). For these reasons, this variant has been classified as Pathogenic.

Literature cited by the submitters: PubMed 27930337.